The following is an entry in ClinVar:

NC_000004.11:g.(?_55561668)_(55604733_?)dup

Gene: KIT (KIT proto-oncogene, receptor tyrosine kinase; plus strand). Cytogenetic location: 4q12.
Variant type: Duplication.
Identifiers: ClinVar variation 656298 (VCV000656298.1).

ClinVar aggregate classification (germline): Uncertain significance (1 of 4 stars; one submission).

Conditions:
Gastrointestinal stromal tumor. Also called: Gastrointestinal stromal tumor, somatic; Gastrointestinal stroma tumor. Identifiers: Orphanet 44890, MedGen C0238198, MeSH D046152, MONDO:0011719, OMIM 606764, HP:0100723.

Submission:

Labcorp Genetics (formerly Invitae), Labcorp
Classification: Uncertain significance for Gastrointestinal stroma tumor. Last evaluated: 2018-09-29. Review status: criteria provided, single submitter. Criteria: Invitae Variant Classification Sherloc (09022015). Collection method: clinical testing. Allele origin: germline.
Comment: This variant results in a copy number gain of the genomic region encompassing exons 2-21 of the KIT gene. The 5' boundary is likely confined to intron 1. The 3' end of this event is unknown as it extends beyond the assayed region for this gene and therefore may encompass additional genes. As the precise location of this event is unknown, it may be in tandem or it may be located elsewhere in the genome. This variant has not been reported in the literature in individuals with KIT-related disease. Experimental studies and prediction algorithms are not available for this variant, and the functional significance of the affected amino acid(s) is currently unknown. In summary, the available evidence is currently insufficient to determine the role of this variant in disease. Therefore, it has been classified as a Variant of Uncertain Significance.